The following is an entry in ClinVar:

ClinVar aggregate classification (germline): Uncertain significance (1 of 4 stars; one submission).

Conditions:
KIF5A-related disorder. Also called: KIF5A-related disorders; KIF5A-related condition.

Submission:

PreventionGenetics, part of Exact Sciences
Classification: Uncertain significance for KIF5A-related condition. Last evaluated: 2026-08-28. Review status: criteria provided, single submitter. Criteria: ACMG Guidelines, 2015. Collection method: clinical testing. Allele origin: germline.
Comment: The KIF5A c.739G>A variant is predicted to result in the amino acid substitution p.Ala247Thr. To our knowledge, this variant has not been reported in the literature or in a large population database (gnomAD), indicating this variant is rare. At this time, the clinical significance of this variant is uncertain due to the absence of conclusive functional and genetic evidence.

NM_004984.4(KIF5A):c.739G>A (p.Ala247Thr)

Gene: KIF5A (kinesin family member 5A; plus strand). Cytogenetic location: 12q13.3.
Variant type: single nucleotide variant.
Coding change: c.739G>A on transcript NM_004984.4 (MANE Select); coding-DNA position 739, G replaced by A.
Protein change: p.Ala247Thr; replaces alanine 247 with threonine.
Molecular consequence: missense variant.
Genome position (GRCh38, 1-based): chr12:57,568,987, G>A. VCF-style: chr12-57568987-G-A. GRCh37 (hg19) VCF-style: chr12-57962770-G-A.
Other names: c.472G>A, p.Ala158Thr (NM_001354705.2); short protein forms A247T, A158T.
Identifiers: ClinVar variation 4991952 (VCV004991952.1).